The following is an entry in ClinVar:

ClinVar aggregate classification (germline): Uncertain significance (1 of 4 stars; one submission).

Allele frequency attached by ClinVar (database versions not stated): gnomAD 0.00002; TOPMed 0.00001.
gnomAD v4.1: 7 of 1,613,152 alleles (0.00043%); highest among the groups gnomAD compares: Non-Finnish European, 0.00059%; no homozygotes.

Submission:

Labcorp Genetics (formerly Invitae), Labcorp
Classification: Uncertain significance. Last evaluated: 2022-08-09. Review status: criteria provided, single submitter. Criteria: Invitae Variant Classification Sherloc (09022015). Collection method: clinical testing. Allele origin: germline.
Comment: This variant is present in population databases (no rsID available, gnomAD 0.01%). In summary, the available evidence is currently insufficient to determine the role of this variant in disease. Therefore, it has been classified as a Variant of Uncertain Significance. Experimental studies and prediction algorithms are not available or were not evaluated, and the functional significance of this variant is currently unknown. This variant has not been reported in the literature in individuals affected with COL18A1-related conditions. This sequence change replaces glutamine, which is neutral and polar, with arginine, which is basic and polar, at codon 1062 of the COL18A1 protein (p.Gln1062Arg).

NM_001379500.1(COL18A1):c.3194A>G (p.Gln1065Arg)

Genes: SLC19A1 (solute carrier family 19 member 1; minus strand), COL18A1 (collagen type XVIII alpha 1 chain; plus strand). Cytogenetic location: 21q22.3.
Variant type: single nucleotide variant.
Coding change: c.3194A>G on transcript NM_001379500.1 (MANE Select); coding-DNA position 3194, A replaced by G.
Protein change: p.Gln1065Arg; replaces glutamine 1065 with arginine.
Molecular consequence: missense variant.
Genome position (GRCh38, 1-based): chr21:45,505,944, A>G. VCF-style: chr21-45505944-A-G. GRCh37 (hg19) VCF-style: chr21-46925858-A-G.
Other names: c.3725A>G, p.Gln1242Arg (NM_030582.4); c.4430A>G, p.Gln1477Arg (NM_130444.3); short protein forms Q1065R, Q1242R, Q1477R.
Identifiers: ClinVar variation 2051013 (VCV002051013.4), dbSNP rs769138452, ClinGen allele CA410500082.